The following is an entry in ClinVar:

ClinVar aggregate classification (germline): Benign/Likely benign. Review status: criteria provided, multiple submitters, no conflicts (2 of 4 stars). 5 submissions from 5 submitters: Benign (1); Likely benign (3). 1 of the submissions does not count toward it. Last evaluated 2025-04-03.

Conditions:
Hereditary cancer-predisposing syndrome. Also called: Tumor predisposition; Hereditary neoplastic syndrome; Hereditary Cancer Syndrome; Neoplastic Syndromes, Hereditary. Identifiers: Orphanet 140162, MedGen C0027672, MeSH D009386, MONDO:0015356.
Familial cancer of breast. Also called: BREAST CANCER, FAMILIAL; Hereditary breast cancer; hereditary breast carcinoma. Identifiers: Orphanet 227535, MedGen C0346153, MONDO:0016419, OMIM 114480. Disease mechanism: loss of function.
Malignant tumor of breast. Also called: Malignant breast neoplasm; Cancer breast. Identifiers: MedGen C0006142, MONDO:0007254. Disease mechanism: loss of function.

Submissions (5):

Labcorp Genetics (formerly Invitae), Labcorp
Classification: Likely benign for Familial cancer of breast. Last evaluated: 2025-04-03. Review status: criteria provided, single submitter. Criteria: Invitae Variant Classification Sherloc (09022015). Collection method: clinical testing. Allele origin: germline.

Myriad Genetics, Inc.
Classification: Benign for Familial cancer of breast. Last evaluated: 2025-01-10. Review status: criteria provided, single submitter. Criteria: Myriad Autosomal Dominant, Autosomal Recessive and X-Linked Classification Criteria (2023). Collection method: clinical testing. Allele origin: unknown.
Comment: This variant is considered benign. This variant is a silent/synonymous amino acid change and it is not expected to impact splicing.

Ambry Genetics
Classification: Likely benign for Hereditary cancer-predisposing syndrome. Last evaluated: 2019-12-15. Review status: criteria provided, single submitter. Criteria: Ambry Variant Classification Scheme 2023. Collection method: clinical testing. Allele origin: germline.

Color Diagnostics, LLC DBA Color Health
Classification: Likely benign for Hereditary cancer-predisposing syndrome. Last evaluated: 2019-04-30. Review status: criteria provided, single submitter. Criteria: ACMG Guidelines, 2015. Collection method: clinical testing. Allele origin: germline.

Department of Pathology and Laboratory Medicine, Sinai Health System
Classification: Uncertain significance for Malignant tumor of breast. Review status: no assertion criteria provided. Collection method: clinical testing. Allele origin: unknown. Affected: yes. Observed: 2 variant alleles. Study: The Canadian Open Genetics Repository (COGR). Not counted in ClinVar's aggregate classification.
Comment: The PALB2 p.Arg153= variant was not identified in the literature nor was it identified in the dbSNP, ClinVar, Clinvitae, COSMIC, MutDB, LOVD 3.0, or Zhejiang Colon Cancer databases. The variant was not identified in the following control databases: the 1000 Genomes Project, the NHLBI GO Exome Sequencing Project, the Exome Aggregation Consortium (August 8th 2016), or the Genome Aggregation Database (Feb 27, 2017). The p.Arg153= variant is not expected to have clinical significance because it does not result in a change of amino acid and is not located in a known consensus splice site. The variant occurs outside of the splicing consensus sequence and in silico or computational prediction software programs (SpliceSiteFinder, MaxEntScan, NNSPLICE, GeneSplicer, HumanSpliceFinder) do not predict a greater than 10% difference in splicing. This is not very predictive of pathogenicity. In summary, based on the above information the clinical significance of this variant cannot be determined with certainty at this time. This variant is classified as a variant of unknown significance.

NM_024675.4(PALB2):c.457A>C (p.Arg153=)

Gene: PALB2 (partner and localizer of BRCA2; minus strand). Cytogenetic location: 16p12.2.
Variant type: single nucleotide variant.
Coding change: c.457A>C on transcript NM_024675.4 (MANE Select); coding-DNA position 457, A replaced by C.
Protein change: p.Arg153=; no amino-acid change (arginine 153 retained).
Molecular consequence: synonymous variant.
Genome position (GRCh38, 1-based): chr16:23,636,089, T>G on the plus strand (A>C on the coding strand, the complement: PALB2 is on the minus strand). VCF-style: chr16-23636089-T-G. GRCh37 (hg19) VCF-style: chr16-23647410-T-G.
Identifiers: ClinVar variation 1049129 (VCV001049129.10), dbSNP rs1375458252, ClinGen allele CA494461999.